The following is an entry in ClinVar:

ClinVar aggregate classification (germline): Likely benign (1 of 4 stars; one submission).

gnomAD v4.1: 3 of 1,613,146 alleles (0.00019%); highest among the groups gnomAD compares: African/African-American, 0.0027%; no homozygotes.

Submission:

CeGaT Center for Human Genetics Tuebingen
Classification: Likely benign. Last evaluated: 2026-06-01. Review status: criteria provided, single submitter. Criteria: CeGaT Center For Human Genetics Tuebingen Variant Classification Criteria Version 2. Collection method: clinical testing. Allele origin: germline. Affected: yes. Observed: 1 variant allele.
Comment: PLXNB2: BP4, BP7

NM_012401.4(PLXNB2):c.774C>T (p.Ser258=)

Gene: PLXNB2 (plexin B2; minus strand). Cytogenetic location: 22q13.33.
Variant type: single nucleotide variant.
Coding change: c.774C>T on transcript NM_012401.4 (MANE Select); coding-DNA position 774, C replaced by T.
Protein change: p.Ser258=; no amino-acid change (serine 258 retained).
Molecular consequence: synonymous variant.
Genome position (GRCh38, 1-based): chr22:50,289,811, G>A on the plus strand (C>T on the coding strand, the complement: PLXNB2 is on the minus strand). VCF-style: chr22-50289811-G-A. GRCh37 (hg19) VCF-style: chr22-50728240-G-A.
Other names: c.774C>T, p.Ser258= (NM_001376864.1, NM_001376865.1, NM_001376866.1 and 20 more transcripts).
Identifiers: ClinVar variation 4875308 (VCV004875308.2).
Genomic context (GRCh38, chr22:50,289,811, plus strand): 5'-GGTGCCAAAGGCAGCGGCGTGGATGTCGGGGTCCCGGCACTGCAGGTCCATCTCCAGGTA[G>A]GAGTAGTAGTTGGGGTCTTCTCTGCACATGCGTGCCAGCAGCGTGCGGTTCCGGGCCGGG-3'
Protein context (NP_036533.2, residues 248-268): RMCREDPNYY[Ser258=]YLEMDLQCRD